The following is an entry in ClinVar:

NC_000001.10:g.(?_215820844)_(215824163_?)dup

Gene: USH2A (usherin; minus strand). Cytogenetic location: 1q41.
Variant type: Duplication.
Identifiers: ClinVar variation 1349868 (VCV001349868.6).

ClinVar aggregate classification (germline): Likely pathogenic (1 of 4 stars; one submission).

Submission:

Labcorp Genetics (formerly Invitae), Labcorp
Classification: Likely pathogenic. Last evaluated: 2021-03-27. Review status: criteria provided, single submitter. Criteria: Invitae Variant Classification Sherloc (09022015). Collection method: clinical testing. Allele origin: germline.
Comment: In summary, the currently available evidence indicates that the variant is pathogenic, but additional data are needed to prove that conclusively. Therefore, this variant has been classified as Likely Pathogenic. This variant has been observed in individual(s) with Usher syndrome (Invitae). This variant results in a copy number gain of the genomic region encompassing exon(s) 65-67 of the USH2A gene. While the exact position of this variant cannot be determined from the data, sub-genic copy number gains are generally in tandem (PMID: 25640679). This variant is predicted to be out-of-frame, and may result in an absent or disrupted protein product. Loss-of-function variants in USH2A are known to be pathogenic (PMID: 10729113, 10909849, 20507924, 25649381).

Literature cited by the submitters: PubMed 25640679; PubMed 10729113; PubMed 10909849; PubMed 20507924; PubMed 25649381.